The following is an entry in ClinVar:

NM_198578.4(LRRK2):c.4259A>G (p.Asp1420Gly)

Gene: LRRK2 (leucine rich repeat kinase 2; plus strand). Cytogenetic location: 12q12.
Variant type: single nucleotide variant.
Coding change: c.4259A>G on transcript NM_198578.4 (MANE Select); coding-DNA position 4259, A replaced by G.
Protein change: p.Asp1420Gly; replaces aspartic acid 1420 with glycine.
Molecular consequence: missense variant.
Genome position (GRCh38, 1-based): chr12:40,309,175, A>G. VCF-style: chr12-40309175-A-G. GRCh37 (hg19) VCF-style: chr12-40702977-A-G.
Other names: short protein forms D1420G.
Identifiers: ClinVar variation 1739141 (VCV001739141.2), dbSNP rs2499818221, ClinGen allele CA384418110.

ClinVar aggregate classification (germline): Uncertain significance (1 of 4 stars; one submission).

Conditions:
Inborn genetic diseases. Identifiers: MedGen C0950123, MeSH D030342.

Submission:

Ambry Genetics
Classification: Uncertain significance for Inborn genetic diseases. Last evaluated: 2021-06-23. Review status: criteria provided, single submitter. Criteria: Ambry Variant Classification Scheme 2023. Collection method: clinical testing. Allele origin: germline.
Comment: The p.D1420G variant (also known as c.4259A>G), located in coding exon 30 of the LRRK2 gene, results from an A to G substitution at nucleotide position 4259. The aspartic acid at codon 1420 is replaced by glycine, an amino acid with similar properties. This amino acid position is conserved. In addition, this alteration is predicted to be deleterious by in silico analysis. Since supporting evidence is limited at this time, the clinical significance of this alteration remains unclear.